The following is an entry in ClinVar:

NM_017999.5(RNF31):c.3048C>T (p.Asp1016=)

Gene: RNF31 (ring finger protein 31; plus strand). Cytogenetic location: 14q12.
Variant type: single nucleotide variant.
Coding change: c.3048C>T on transcript NM_017999.5 (MANE Select); coding-DNA position 3048, C replaced by T.
Protein change: p.Asp1016=; no amino-acid change (aspartic acid 1016 retained).
Molecular consequence: synonymous variant.
Genome position (GRCh38, 1-based): chr14:24,160,290, C>T. VCF-style: chr14-24160290-C-T. GRCh37 (hg19) VCF-style: chr14-24629499-C-T.
Other names: c.2595C>T, p.Asp865= (NM_001310332.2).
Identifiers: ClinVar variation 636778 (VCV000636778.12), dbSNP rs377298249, ClinGen allele CA7126257.

ClinVar aggregate classification (germline): Conflicting classifications of pathogenicity. Review status: criteria provided, conflicting classifications (1 of 4 stars). 3 submissions from 3 submitters: Uncertain significance (1); Likely benign (1). 1 of the submissions does not count toward it. Last evaluated 2025-10-26.

Conditions:
RNF31-related disorder. Also called: RNF31-related condition.

Allele frequency attached by ClinVar (database versions not stated): ESP Exome Variant Server 0.00008; TOPMed 0.00012; gnomAD 0.00014 and 0.00016; gnomAD exomes 0.00014 and 0.00020; ExAC 0.00016.
gnomAD v4.1: 239 of 1,614,156 alleles (0.015%); highest among the groups gnomAD compares: Middle Eastern, 0.87%; 1 homozygote.

Submissions (3):

Labcorp Genetics (formerly Invitae), Labcorp
Classification: Likely benign. Last evaluated: 2025-10-26. Review status: criteria provided, single submitter. Criteria: Invitae Variant Classification Sherloc (09022015). Collection method: clinical testing. Allele origin: germline.

Blueprint Genetics
Classification: Uncertain significance. Last evaluated: 2024-11-21. Review status: criteria provided, single submitter. Criteria: ACMG Guidelines, 2015. Collection method: clinical testing. Allele origin: germline.

PreventionGenetics, part of Exact Sciences
Classification: Likely benign for RNF31-related condition. Last evaluated: 2020-02-28. Review status: no assertion criteria provided. Collection method: clinical testing. Allele origin: germline. Not counted in ClinVar's aggregate classification.
Comment: This variant is classified as likely benign based on ACMG/AMP sequence variant interpretation guidelines (Richards et al. 2015 PMID: 25741868, with internal and published modifications).